The following is an entry in ClinVar:

ClinVar aggregate classification (germline): Likely benign. Review status: criteria provided, multiple submitters, no conflicts (2 of 4 stars). 2 submissions from 2 submitters: Likely benign (2). Last evaluated 2025-09-24.

Conditions:
NPHP4-related disorder. Also called: NPHP4-related disorders; NPHP4-related condition. Identifiers: MedGen CN239384.
Nephronophthisis. Also called: Juvenile Nephronophthisis. Identifiers: Orphanet 655, MedGen C0687120, MONDO:0019005, HP:0000090.

Submissions (2):

PreventionGenetics, part of Exact Sciences
Classification: Likely benign for NPHP4-related condition. Last evaluated: 2025-09-24. Review status: criteria provided, single submitter. Criteria: ACMG Guidelines, 2015. Collection method: clinical testing. Allele origin: germline.
Comment: This variant is classified as likely benign based on ACMG/AMP sequence variant interpretation guidelines (Richards et al. 2015 PMID: 25741868, with internal and published modifications).

Labcorp Genetics (formerly Invitae), Labcorp
Classification: Likely benign for Nephronophthisis. Last evaluated: 2022-08-01. Review status: criteria provided, single submitter. Criteria: Invitae Variant Classification Sherloc (09022015). Collection method: clinical testing. Allele origin: germline.

NM_015102.5(NPHP4):c.174G>A (p.Leu58=)

Gene: NPHP4 (nephrocystin 4; minus strand). Cytogenetic location: 1p36.31.
Variant type: single nucleotide variant.
Coding change: c.174G>A on transcript NM_015102.5 (MANE Select); coding-DNA position 174, G replaced by A.
Protein change: p.Leu58=; no amino-acid change (leucine 58 retained).
Molecular consequence: synonymous variant. On other transcripts: 5 prime UTR variant (1), non-coding transcript variant (1), intron variant (1).
Genome position (GRCh38, 1-based): chr1:5,978,375, C>T on the plus strand (G>A on the coding strand, the complement: NPHP4 is on the minus strand). VCF-style: chr1-5978375-C-T. GRCh37 (hg19) VCF-style: chr1-6038435-C-T.
Other names: c.-1056G>A (NM_001291593.2); c.-1087-9116G>A (NM_001291594.2); c.174G>A (NM_015102.4).
Identifiers: ClinVar variation 2197431 (VCV002197431.5), dbSNP rs764122612, ClinGen allele CA415786189.